The following is an entry in ClinVar:

NM_000203.5(IDUA):c.351C>A (p.Tyr117Ter)

Gene: IDUA (alpha-L-iduronidase; plus strand). Cytogenetic location: 4p16.3.
Variant type: single nucleotide variant.
Coding change: c.351C>A on transcript NM_000203.5 (MANE Select); coding-DNA position 351, C replaced by A.
Protein change: p.Tyr117Ter; replaces tyrosine 117 with a stop codon.
Molecular consequence: nonsense. On other transcripts: 5 prime UTR variant (1), non-coding transcript variant (1).
Genome position (GRCh38, 1-based): chr4:1,000,663, C>A. VCF-style: chr4-1000663-C-A. GRCh37 (hg19) VCF-style: chr4-994451-C-A.
Other names: c.-46C>A (NM_001363576.1); short protein forms Y117*.
Identifiers: ClinVar variation 5013909 (VCV005013909.1).
Genomic context (GRCh38, chr4:1,000,663, plus strand): 5'-CTTCTGCAGGGGGTCCACTGGACGGGGCCTGAGCTACAACTTCACCCACCTGGACGGGTA[C>A]CTGGACCTTCTCAGGGAGAACCAGCTCCTCCCAGGTGAGCTGTGGGCTCTGCCCTCCCAG-3'

ClinVar aggregate classification (germline): Pathogenic (1 of 4 stars; one submission).

Conditions:
Mucopolysaccharidosis type 1. Also called: IDUA deficiency; MPS I; Mucopolysaccharidosis Type I. Identifiers: Orphanet 579, MedGen C0023786, MONDO:0001586.

Submission:

Myriad Genetics, Inc.
Classification: Pathogenic for Mucopolysaccharidosis type 1. Last evaluated: 2025-01-03. Review status: criteria provided, single submitter. Criteria: Myriad Autosomal Dominant, Autosomal Recessive and X-Linked Classification Criteria (2023). Collection method: clinical testing. Allele origin: unknown.
Comment: NM_000203.3(IDUA):c.351C>A(Y117*) is expected to be pathogenic in the context of mucopolysaccharidosis type I. This variant is predicted to lead to an abnormal or absent protein product due to the creation of a premature termination codon in IDUA, a gene where loss-of-function variants are known to be pathogenic. Please note: this variant was assessed in the context of healthy population screening.